The following is an entry in ClinVar:

ClinVar aggregate classification (germline): Pathogenic. Review status: criteria provided, multiple submitters, no conflicts (2 of 4 stars). 3 submissions from 3 submitters: Pathogenic (3). Last evaluated 2025-06-11.

Conditions:
Mitochondrial complex II deficiency, nuclear type 1. Also called: SUCCINATE CoQ REDUCTASE DEFICIENCY. Identifiers: Orphanet 3208, MedGen C5700310, MONDO:0100294, OMIM 252011.
Pheochromocytoma/paraganglioma syndrome 5. Also called: Paragangliomas 5; SDHA-Related Hereditary Paraganglioma-Pheochromocytoma Syndrome. Identifiers: Orphanet 29072, MedGen C3279992, MONDO:0013602, OMIM 614165.
Hereditary cancer-predisposing syndrome. Also called: Hereditary Cancer Syndrome; Neoplastic Syndromes, Hereditary; Tumor predisposition; Hereditary neoplastic syndrome. Identifiers: Orphanet 140162, MedGen C0027672, MeSH D009386, MONDO:0015356.

Submissions (3):

Labcorp Genetics (formerly Invitae), Labcorp
Classification: Pathogenic for Pheochromocytoma/paraganglioma syndrome 5; Mitochondrial complex II deficiency, nuclear type 1. Last evaluated: 2025-06-11. Review status: criteria provided, single submitter. Criteria: Invitae Variant Classification Sherloc (09022015). Collection method: clinical testing. Allele origin: germline.
Comment: This sequence change creates a premature translational stop signal (p.Asp135Thrfs*8) in the SDHA gene. It is expected to result in an absent or disrupted protein product. Loss-of-function variants in SDHA are known to be pathogenic (PMID: 22974104, 24781757). This variant is not present in population databases (gnomAD no frequency). This variant has not been reported in the literature in individuals affected with SDHA-related conditions. ClinVar contains an entry for this variant (Variation ID: 2139990). For these reasons, this variant has been classified as Pathogenic.

Ambry Genetics
Classification: Pathogenic for Hereditary cancer-predisposing syndrome. Last evaluated: 2023-08-30. Review status: criteria provided, single submitter. Criteria: Ambry Variant Classification Scheme 2023. Collection method: clinical testing. Allele origin: germline.
Comment: The c.403delG pathogenic mutation, located in coding exon 4 of the SDHA gene, results from a deletion of one nucleotide at nucleotide position 403, causing a translational frameshift with a predicted alternate stop codon (p.D135Tfs*8). This variant is considered to be rare based on population cohorts in the Genome Aggregation Database (gnomAD). This alteration is expected to result in loss of function by premature protein truncation or nonsense-mediated mRNA decay. As such, this alteration is interpreted as a disease-causing mutation.

Myriad Genetics, Inc.
Classification: Pathogenic for Pheochromocytoma/paraganglioma syndrome 5. Last evaluated: 2023-03-01. Review status: criteria provided, single submitter. Criteria: Myriad Autosomal Dominant, Autosomal Recessive and X-Linked Classification Criteria (2023). Collection method: clinical testing. Allele origin: unknown.
Comment: This variant is considered pathogenic. This variant creates a frameshift predicted to result in premature protein truncation.

Literature cited by the submitters: PubMed 22974104 (cited by Labcorp Genetics (formerly Invitae), Labcorp); PubMed 24781757 (cited by Labcorp Genetics (formerly Invitae), Labcorp).

NM_004168.4(SDHA):c.403del (p.Asp135fs)

Gene: SDHA (succinate dehydrogenase complex flavoprotein subunit A; plus strand). Cytogenetic location: 5p15.33.
Variant type: Deletion.
Coding change: c.403del on transcript NM_004168.4 (MANE Select); coding-DNA position 403, one base deleted (G; older notation c.403delG).
Protein change: p.Asp135fs; shifts the reading frame from aspartic acid 135.
Molecular consequence: frameshift variant. On other transcripts: intron variant (1).
Genome position (GRCh38, 1-based): chr5:225,509, G deleted; the last of 5 consecutive G bases (chr5:225,505-225,509); deleting any one gives the same sequence. VCF-style (leftmost placement, unchanged base first): chr5-225504-TG-T. GRCh37 (hg19) VCF-style: chr5-225619-TG-T.
Other names: c.403delG (NM_004168.2); c.403del, p.Asp135fs (NM_001330758.2); c.313-374del (NM_001294332.2); short protein forms D135fs.
Identifiers: ClinVar variation 2139990 (VCV002139990.7), dbSNP rs2477295096, ClinGen allele CA2580073096.